The following is an entry in ClinVar:

ClinVar aggregate classification (germline): Pathogenic (1 of 4 stars; one submission).

Submission:

Labcorp Genetics (formerly Invitae), Labcorp
Classification: Pathogenic. Last evaluated: 2024-03-13. Review status: criteria provided, single submitter. Criteria: Invitae Variant Classification Sherloc (09022015). Collection method: clinical testing. Allele origin: germline.
Comment: This sequence change replaces valine, which is neutral and non-polar, with methionine, which is neutral and non-polar, at codon 168 of the AQP2 protein (p.Val168Met). This variant is not present in population databases (gnomAD no frequency). This missense change has been observed in individuals with autosomal recessive nephrogenic diabetes insipidus (PMID: 9402087, 15100362). It has also been observed to segregate with disease in related individuals. ClinVar contains an entry for this variant (Variation ID: 1809696). Algorithms developed to predict the effect of variants on protein structure and function are not available or were not evaluated for this variant. Experimental studies have shown that this missense change affects AQP2 function (PMID: 15100362). For these reasons, this variant has been classified as Pathogenic.

Literature cited by the submitters: PubMed 9402087; PubMed 15100362.

NM_000486.6(AQP2):c.501_502inv (p.Val168Met)

Genes: AQP2 (aquaporin 2; plus strand), AQP5-AS1 (AQP5 and AQP2 antisense RNA 2; minus strand). Cytogenetic location: 12q13.12.
Variant type: Inversion.
Coding change: c.501_502inv on transcript NM_000486.6 (MANE Select).
Protein change: p.Val168Met; replaces valine 168 with methionine.
Molecular consequence: missense variant. On other transcripts: non-coding transcript variant (1).
Genome position: GRCh38 VCF-style: chr12-49954295-TG-CA. GRCh37 (hg19) VCF-style: chr12-50348078-TG-CA.
Other names: short protein forms V168M.
Identifiers: ClinVar variation 1452845 (VCV001452845.4), ClinGen allele CA2573148701.